The following is an entry in ClinVar:

ClinVar aggregate classification (germline): Uncertain significance (1 of 4 stars; one submission).

gnomAD v4.1: 11 of 1,614,018 alleles (0.00068%); highest among the groups gnomAD compares: Non-Finnish European, 0.00085%; no homozygotes.

Submission:

Labcorp Genetics (formerly Invitae), Labcorp
Classification: Uncertain significance. Last evaluated: 2024-08-29. Review status: criteria provided, single submitter. Criteria: Invitae Variant Classification Sherloc (09022015). Collection method: clinical testing. Allele origin: germline.
Comment: This sequence change replaces threonine, which is neutral and polar, with arginine, which is basic and polar, at codon 657 of the COMP protein (p.Thr657Arg). This variant is not present in population databases (gnomAD no frequency). This variant has not been reported in the literature in individuals affected with COMP-related conditions. Invitae Evidence Modeling of protein sequence and biophysical properties (such as structural, functional, and spatial information, amino acid conservation, physicochemical variation, residue mobility, and thermodynamic stability) indicates that this missense variant is expected to disrupt COMP protein function with a positive predictive value of 80%. In summary, the available evidence is currently insufficient to determine the role of this variant in disease. Therefore, it has been classified as a Variant of Uncertain Significance.

NM_000095.3(COMP):c.1970C>G (p.Thr657Arg)

Gene: COMP (cartilage oligomeric matrix protein; minus strand). Cytogenetic location: 19p13.11.
Variant type: single nucleotide variant.
Coding change: c.1970C>G on transcript NM_000095.3 (MANE Select); coding-DNA position 1970, C replaced by G.
Protein change: p.Thr657Arg; replaces threonine 657 with arginine.
Molecular consequence: missense variant.
Genome position (GRCh38, 1-based): chr19:18,784,308, G>C on the plus strand (C>G on the coding strand, the complement: COMP is on the minus strand). VCF-style: chr19-18784308-G-C. GRCh37 (hg19) VCF-style: chr19-18895118-G-C.
Other names: short protein forms T657R.
Identifiers: ClinVar variation 3686186 (VCV003686186.2).